The following is an entry in ClinVar:

NM_032043.3(BRIP1):c.63T>G (p.Ala21=)

Gene: BRIP1 (BRCA1 interacting DNA helicase 1; minus strand). Cytogenetic location: 17q23.2.
Variant type: single nucleotide variant.
Coding change: c.63T>G on transcript NM_032043.3 (MANE Select); coding-DNA position 63, T replaced by G.
Protein change: p.Ala21=; no amino-acid change (alanine 21 retained).
Molecular consequence: synonymous variant.
Genome position (GRCh38, 1-based): chr17:61,861,477, A>C on the plus strand (T>G on the coding strand, the complement: BRIP1 is on the minus strand). VCF-style: chr17-61861477-A-C. GRCh37 (hg19) VCF-style: chr17-59938838-A-C.
Identifiers: ClinVar variation 3378922 (VCV003378922.2).

ClinVar aggregate classification (germline): Benign/Likely benign. Review status: criteria provided, multiple submitters, no conflicts (2 of 4 stars). 2 submissions from 2 submitters: Benign (1); Likely benign (1). Last evaluated 2025-12-10.

Conditions:
Hereditary cancer-predisposing syndrome. Also called: Neoplastic Syndromes, Hereditary; Tumor predisposition; Hereditary Cancer Syndrome; Hereditary neoplastic syndrome. Identifiers: Orphanet 140162, MedGen C0027672, MeSH D009386, MONDO:0015356.
Familial cancer of breast. Also called: hereditary breast carcinoma; Hereditary breast cancer; BREAST CANCER, FAMILIAL. Identifiers: Orphanet 227535, MedGen C0346153, MONDO:0016419, OMIM 114480. Disease mechanism: loss of function.

Submissions (2):

Ambry Genetics
Classification: Likely benign for Hereditary cancer-predisposing syndrome. Last evaluated: 2025-12-10. Review status: criteria provided, single submitter. Criteria: Ambry Variant Classification Scheme 2023. Collection method: clinical testing. Allele origin: germline.

Myriad Genetics, Inc.
Classification: Benign for Familial cancer of breast. Last evaluated: 2024-08-09. Review status: criteria provided, single submitter. Criteria: Myriad Autosomal Dominant, Autosomal Recessive and X-Linked Classification Criteria (2023). Collection method: clinical testing. Allele origin: unknown.
Comment: This variant is considered benign. This variant is a silent/synonymous amino acid change and it is not expected to impact splicing.